The following is an entry in ClinVar:

Single allele

Gene: SNRPN (small nuclear ribonucleoprotein polypeptide N; plus strand). Cytogenetic location: 15q11.2.
Variant type: Deletion.
Identifiers: ClinVar variation 2671603 (VCV002671603.1).

ClinVar aggregate classification (germline): Uncertain significance (1 of 4 stars; one submission).

Submission:

Illumina Laboratory Services, Illumina
Classification: Uncertain significance. Last evaluated: 2023-09-12. Review status: criteria provided, single submitter. Criteria: ICSL CNVClassificationCriteria Aug2020. Collection method: clinical testing. Allele origin: unknown.
Comment: This CNV is a 19.5 kb deletion of 15q11.2 on chromosome 15, seq[GRCh37]del(15)(q11.2), NC_000015.9:g.25064951_25084452del. This CNV encompasses an upstream region, exon one and part of the first intron of the longest (canonical) transcript of the SNRPN gene, NM_022806.3. This region does not overlap with the Prader-Willi syndrome (PWS) imprinting center (IC) (PMID: 9973278; 20301505; 22237428; 28554868; 29437285). A similar deletion, which was paternally inherited, has been described in an individual with features consistent with PWS (PMID: 27659333). Similar deletions have been reported in controls but not demonstrated to be paternally derived (PMID: 21841781; 24174537). A similar deletion has been observed at a frequency of 0.00965 in the African/African American population of the Genome Aggregation Database (gnomAD SVs version 2.1). Based on the available evidence, this CNV is classified as a variant of uncertain significance.